The following is an entry in ClinVar:

NM_000550.3(TYRP1):c.1523A>G (p.Asp508Gly)

Genes: LURAP1L-AS1 (LURAP1L antisense RNA 1; minus strand), TYRP1 (tyrosinase related protein 1; plus strand). Cytogenetic location: 9p23.
Variant type: single nucleotide variant.
Coding change: c.1523A>G on transcript NM_000550.3 (MANE Select); coding-DNA position 1523, A replaced by G.
Protein change: p.Asp508Gly; replaces aspartic acid 508 with glycine.
Molecular consequence: missense variant.
Genome position (GRCh38, 1-based): chr9:12,709,091, A>G. VCF-style: chr9-12709091-A-G. GRCh37 (hg19) VCF-style: chr9-12709091-A-G.
Other names: c.1523A>G (NM_000550.2); short protein forms D508G.
Identifiers: ClinVar variation 1429370 (VCV001429370.7), dbSNP rs761067561, ClinGen allele CA4985608.
Genomic context (GRCh38, chr9:12,709,091, plus strand): 5'-TACTGGTTGCACTCATTTTTGGGACTGCTTCTTATCTGATTCGTGCCAGACGCAGTATGG[A>G]TGAAGCTAACCAGCCTCTCCTCACTGATCAGTATCAATGCTATGCTGAAGAATATGAAAA-3'
Protein context (NP_000541.1, residues 498-518): SYLIRARRSM[Asp508Gly]EANQPLLTDQ

ClinVar aggregate classification (germline): Uncertain significance. Review status: criteria provided, multiple submitters, no conflicts (2 of 4 stars). 2 submissions from 2 submitters: Uncertain significance (2). Last evaluated 2025-02-07.

Conditions:
Inborn genetic diseases. Identifiers: MedGen C0950123, MeSH D030342.

Allele frequency attached by ClinVar (database versions not stated): gnomAD 0.00001; gnomAD exomes 0.00002 and 0.00005; ExAC 0.00003; TOPMed 0.00003.
gnomAD v4.1: 32 of 1,612,672 alleles (0.002%); highest among the groups gnomAD compares: Middle Eastern, 0.049%; no homozygotes.

Submissions (2):

Ambry Genetics
Classification: Uncertain significance for Inborn genetic diseases. Last evaluated: 2025-02-07. Review status: criteria provided, single submitter. Criteria: Ambry Variant Classification Scheme 2023. Collection method: clinical testing. Allele origin: germline.

Labcorp Genetics (formerly Invitae), Labcorp
Classification: Uncertain significance. Last evaluated: 2023-12-28. Review status: criteria provided, single submitter. Criteria: Invitae Variant Classification Sherloc (09022015). Collection method: clinical testing. Allele origin: germline.
Comment: This sequence change replaces aspartic acid, which is acidic and polar, with glycine, which is neutral and non-polar, at codon 508 of the TYRP1 protein (p.Asp508Gly). This variant is present in population databases (rs761067561, gnomAD 0.02%). This variant has not been reported in the literature in individuals affected with TYRP1-related conditions. ClinVar contains an entry for this variant (Variation ID: 1429370). Advanced modeling of protein sequence and biophysical properties (such as structural, functional, and spatial information, amino acid conservation, physicochemical variation, residue mobility, and thermodynamic stability) performed at Invitae indicates that this missense variant is not expected to disrupt TYRP1 protein function with a negative predictive value of 80%. In summary, the available evidence is currently insufficient to determine the role of this variant in disease. Therefore, it has been classified as a Variant of Uncertain Significance.